The following is an entry in ClinVar:

ClinVar aggregate classification (germline): Uncertain significance (1 of 4 stars; one submission).

Allele frequency attached by ClinVar (database versions not stated): ExAC 0.00001; gnomAD 0.00001; TOPMed 0.00001; ESP Exome Variant Server 0.00008.
gnomAD v4.1: 24 of 1,613,736 alleles (0.0015%); highest among the groups gnomAD compares: Non-Finnish European, 0.0017%; no homozygotes.

Submission:

Labcorp Genetics (formerly Invitae), Labcorp
Classification: Uncertain significance. Last evaluated: 2023-05-07. Review status: criteria provided, single submitter. Criteria: Invitae Variant Classification Sherloc (09022015). Collection method: clinical testing. Allele origin: germline.
Comment: In summary, the available evidence is currently insufficient to determine the role of this variant in disease. Therefore, it has been classified as a Variant of Uncertain Significance. Advanced modeling of protein sequence and biophysical properties (such as structural, functional, and spatial information, amino acid conservation, physicochemical variation, residue mobility, and thermodynamic stability) performed at Invitae indicates that this missense variant is not expected to disrupt ABCG8 protein function. This missense change has been observed in individual(s) with dyslipidemia (PMID: 32041611). This variant is present in population databases (rs374361804, gnomAD 0.007%). This sequence change replaces glycine, which is neutral and non-polar, with serine, which is neutral and polar, at codon 432 of the ABCG8 protein (p.Gly432Ser).

Literature cited by the submitters: PubMed 32041611.

NM_022437.3(ABCG8):c.1294G>A (p.Gly432Ser)

Gene: ABCG8 (ATP binding cassette subfamily G member 8; plus strand). Cytogenetic location: 2p21.
Variant type: single nucleotide variant.
Coding change: c.1294G>A on transcript NM_022437.3 (MANE Select); coding-DNA position 1294, G replaced by A.
Protein change: p.Gly432Ser; replaces glycine 432 with serine.
Molecular consequence: missense variant.
Genome position (GRCh38, 1-based): chr2:43,873,869, G>A. VCF-style: chr2-43873869-G-A. GRCh37 (hg19) VCF-style: chr2-44101008-G-A.
Other names: c.1291G>A, p.Gly431Ser (NM_001357321.2); short protein forms G431S, G432S.
Identifiers: ClinVar variation 2740458 (VCV002740458.3), dbSNP rs374361804, ClinGen allele CA1637394.
Genomic context (GRCh38, chr2:43,873,869, plus strand): 5'-CGAGACCTGCCCACCCTCCTCATCCATGGGGCGGAGGCCTGTCTGATGTCAATGACCATC[G>A]GCTTCCTCTATTTTGGCCATGGGAGCATCCAGCTCTCCTTCATGGATACAGCCGCCCTCT-3'
Protein context (NP_071882.1, residues 422-442): AEACLMSMTI[Gly432Ser]FLYFGHGSIQ